The following is an entry in ClinVar:

ClinVar aggregate classification (germline): Uncertain significance (1 of 4 stars; one submission).

Allele frequency attached by ClinVar (database versions not stated): gnomAD exomes below 0.00001; ExAC 0.00001; gnomAD 0.00001; 1000 Genomes Project 30x 0.00016; 1000 Genomes Project 0.00020.
gnomAD v4.1: 4 of 1,614,028 alleles (0.00025%); highest among the groups gnomAD compares: African/African-American, 0.0053%; no homozygotes.

Submission:

GeneDx
Classification: Uncertain significance. Last evaluated: 2019-03-29. Review status: criteria provided, single submitter. Criteria: GeneDx Variant Classification Process June 2021. Collection method: clinical testing. Allele origin: germline. Affected: yes.
Comment: Has not been previously published as pathogenic or benign to our knowledge; Although located in a calcium-binding EGF-like domain of the FBN2 gene, it does not affect a cysteine residue within this domain; cysteine substitutions in the calcium-binding EGF-like domains represent the majority of pathogenic missense changes associated with FBN2 related disorders (Collod-Beroud et al., 2003; Frederic et al., 2009).; In silico analysis, which includes protein predictors and evolutionary conservation, supports that this variant does not alter protein structure/function; Not observed at a significant frequency in large population cohorts (Lek et al., 2016)

NM_001999.4(FBN2):c.8062C>G (p.Gln2688Glu)

Gene: FBN2 (fibrillin 2; minus strand). Cytogenetic location: 5q23.3.
Variant type: single nucleotide variant.
Coding change: c.8062C>G on transcript NM_001999.4 (MANE Select); coding-DNA position 8062, C replaced by G.
Protein change: p.Gln2688Glu; replaces glutamine 2688 with glutamic acid.
Molecular consequence: missense variant.
Genome position (GRCh38, 1-based): chr5:128,263,555, G>C on the plus strand (C>G on the coding strand, the complement: FBN2 is on the minus strand). VCF-style: chr5-128263555-G-C. GRCh37 (hg19) VCF-style: chr5-127599247-G-C.
Other names: short protein forms Q2688E.
Identifiers: ClinVar variation 1308486 (VCV001308486.2), dbSNP rs539853433, ClinGen allele CA3393938.
Genomic context (GRCh38, chr5:128,263,555, plus strand): 5'-AATTGCAGGGGTTCTTGGAGGACGAGCACTCATTCACGTCGTGGCAGGCACTGGAGAACT[G>C]GTCGAAGGAGAACCCCGAGGGGCAGGCGCACTTGTAACTCCCCAGGGTGTTGTAGCAGGA-3'
Protein context (NP_001990.2, residues 2678-2698): CACPSGFSFD[Gln2688Glu]FSSACHDVNE